The following is an entry in ClinVar:

ClinVar aggregate classification (germline): Uncertain significance (1 of 4 stars; one submission).

Submission:

Labcorp Genetics (formerly Invitae), Labcorp
Classification: Uncertain significance. Last evaluated: 2022-08-29. Review status: criteria provided, single submitter. Criteria: Invitae Variant Classification Sherloc (09022015). Collection method: clinical testing. Allele origin: germline.
Comment: In summary, the available evidence is currently insufficient to determine the role of this variant in disease. Therefore, it has been classified as a Variant of Uncertain Significance. Algorithms developed to predict the effect of missense changes on protein structure and function are either unavailable or do not agree on the potential impact of this missense change (SIFT: "Not Available"; PolyPhen-2: "Probably Damaging"; Align-GVGD: "Not Available"). This variant has not been reported in the literature in individuals affected with SLC7A9-related conditions. Information on the frequency of this variant in the gnomAD database is not available, as this variant may be reported differently in the database. This sequence change replaces isoleucine, which is neutral and non-polar, with lysine, which is basic and polar, at codon 187 of the SLC7A9 protein (p.Ile187Lys).

NM_014270.5(SLC7A9):c.560_561delinsAA (p.Ile187Lys)

Gene: SLC7A9 (solute carrier family 7 member 9; minus strand). Cytogenetic location: 19q13.11.
Variant type: Indel.
Coding change: c.560_561delinsAA on transcript NM_014270.5 (MANE Select); coding-DNA positions 560 to 561, TC replaced by AA.
Protein change: p.Ile187Lys; replaces isoleucine 187 with lysine.
Molecular consequence: missense variant.
Genome position (GRCh38, 1-based): chr19:32,862,504-32,862,505, GA replaced by TT on the plus strand (TC replaced by AA on the coding strand, the reverse complement: SLC7A9 is on the minus strand). VCF-style: chr19-32862504-GA-TT. GRCh37 (hg19) VCF-style: chr19-33353410-GA-TT.
Other names: c.560_561delinsAA, p.Ile187Lys (NM_001126335.2, NM_001243036.2); short protein forms I187K.
Identifiers: ClinVar variation 1974262 (VCV001974262.5), dbSNP rs2513603382, ClinGen allele CA2580096890.